The following is an entry in ClinVar:

ClinVar aggregate classification (germline): Conflicting classifications of pathogenicity. Review status: criteria provided, conflicting classifications (1 of 4 stars). 4 submissions from 4 submitters: Uncertain significance (3); Likely benign (1). Last evaluated 2025-11-19.

Conditions:
Hajdu-Cheney syndrome (HJCYS). Also called: Acroosteolysis dominant type; SERPENTINE FIBULA-POLYCYSTIC KIDNEY SYNDROME; ACROOSTEOLYSIS WITH OSTEOPOROSIS AND CHANGES IN SKULL AND MANDIBLE. Identifiers: Orphanet 955, MedGen C0917715, MONDO:0007057, OMIM 102500.
Inborn genetic diseases. Identifiers: MedGen C0950123, MeSH D030342.

Allele frequency attached by ClinVar (database versions not stated): TOPMed 0.00013; gnomAD 0.00014 and 0.00012; ExAC 0.00001; gnomAD exomes 0.00001.
gnomAD v4.1: 28 of 1,614,030 alleles (0.0017%); highest among the groups gnomAD compares: African/African-American, 0.037%; no homozygotes.

Submissions (4):

Labcorp Genetics (formerly Invitae), Labcorp
Classification: Uncertain significance for Hajdu-Cheney syndrome. Last evaluated: 2025-11-19. Review status: criteria provided, single submitter. Criteria: Invitae Variant Classification Sherloc (09022015). Collection method: clinical testing. Allele origin: germline.
Comment: This sequence change replaces glycine, which is neutral and non-polar, with glutamic acid, which is acidic and polar, at codon 1005 of the NOTCH2 protein (p.Gly1005Glu). This variant is present in population databases (rs782036233, gnomAD 0.04%). This variant has not been reported in the literature in individuals affected with NOTCH2-related conditions. ClinVar contains an entry for this variant (Variation ID: 593417). Invitae Evidence Modeling of protein sequence and biophysical properties (such as structural, functional, and spatial information, amino acid conservation, physicochemical variation, residue mobility, and thermodynamic stability) indicates that this missense variant is not expected to disrupt NOTCH2 protein function with a negative predictive value of 80%. In summary, the available evidence is currently insufficient to determine the role of this variant in disease. Therefore, it has been classified as a Variant of Uncertain Significance.

Ambry Genetics
Classification: Likely benign for Inborn genetic diseases. Last evaluated: 2025-01-17. Review status: criteria provided, single submitter. Criteria: Ambry Variant Classification Scheme 2023. Collection method: clinical testing. Allele origin: germline.

Revvity Omics, Revvity
Classification: Uncertain significance. Last evaluated: 2021-04-21. Review status: criteria provided, single submitter. Criteria: ACMG Guidelines, 2015. Collection method: clinical testing. Allele origin: germline.

Eurofins Ntd Llc (ga)
Classification: Uncertain significance. Last evaluated: 2017-07-24. Review status: criteria provided, single submitter. Criteria: EGL Classification Definitions 2015. Collection method: clinical testing. Allele origin: germline. Observed: 2 variant alleles, 2 heterozygotes.

NM_024408.4(NOTCH2):c.3014G>A (p.Gly1005Glu)

Gene: NOTCH2 (notch receptor 2; minus strand). Cytogenetic location: 1p12.
Variant type: single nucleotide variant.
Coding change: c.3014G>A on transcript NM_024408.4 (MANE Select); coding-DNA position 3014, G replaced by A.
Protein change: p.Gly1005Glu; replaces glycine 1005 with glutamic acid.
Molecular consequence: missense variant.
Genome position (GRCh38, 1-based): chr1:119,940,724, C>T on the plus strand (G>A on the coding strand, the complement: NOTCH2 is on the minus strand). VCF-style: chr1-119940724-C-T. GRCh37 (hg19) VCF-style: chr1-120483347-C-T.
Other names: c.3014G>A (NM_024408.3); c.3014G>A, p.Gly1005Glu (NM_001200001.2); short protein forms G1005E.
Identifiers: ClinVar variation 593417 (VCV000593417.15), dbSNP rs782036233, ClinGen allele CA1040155.
Genomic context (GRCh38, chr1:119,940,724, plus strand): 5'-TCATGGAGGCAGAAGGATCCAGTGAAACCCACAGGGCACAAGCAAGAGAAGGAGTTAATC[C>T]CATCAACACATGTGCCACCATTGAAACAGGAGCTAAGAAGCAAACAGAGCAACATCAGCT-3'
Protein context (NP_077719.2, residues 995-1015): SCFNGGTCVD[Gly1005Glu]INSFSCLCPV